The following is an entry in ClinVar:

ClinVar aggregate classification (germline): Uncertain significance. Review status: criteria provided, multiple submitters, no conflicts (2 of 4 stars). 3 submissions from 3 submitters: Uncertain significance (3). Last evaluated 2024-07-10.

Conditions:
Wilson disease (WND). Also called: Wilson's disease. Identifiers: Orphanet 905, MedGen C0019202, MONDO:0010200, OMIM 277900. Disease mechanism: loss of function.

Submissions (3):

All of Us Research Program, National Institutes of Health
Classification: Uncertain significance for Wilson disease. Last evaluated: 2024-07-10. Review status: criteria provided, single submitter. Criteria: ACMG Guidelines, 2015. Collection method: clinical testing. Allele origin: germline. Inheritance: Autosomal recessive inheritance. Observed: 1 variant allele, 1 heterozygote.
Comment: This missense variant replaces isoleucine with valine at codon 279 of the ATP7B protein. Computational prediction suggests that this variant may not impact protein structure and function (internally defined REVEL score threshold <= 0.5, PMID: 27666373). To our knowledge, functional studies have not been reported for this variant. This variant has not been reported in individuals affected with ATP7B-related disorders in the literature. This variant has not been identified in the general population by the Genome Aggregation Database (gnomAD). The available evidence is insufficient to determine the role of this variant in disease conclusively. Therefore, this variant is classified as a Variant of Uncertain Significance.

This study involves interpretation of variants in research participants for the purpose of population health screening. Participant phenotype was not available at the time of variant classification. Additional details can be found in publication PMID: 35346344, PMCID: PMC8962531

CeGaT Center for Human Genetics Tuebingen
Classification: Uncertain significance. Last evaluated: 2023-07-01. Review status: criteria provided, single submitter. Criteria: CeGaT Center For Human Genetics Tuebingen Variant Classification Criteria Version 2. Collection method: clinical testing. Allele origin: germline. Affected: yes. Observed: 1 variant allele.
Comment: ATP7B: PM2, PM3:Supporting, PP4, BP4

Labcorp Genetics (formerly Invitae), Labcorp
Classification: Uncertain significance for Wilson disease. Last evaluated: 2021-08-27. Review status: criteria provided, single submitter. Criteria: Invitae Variant Classification Sherloc (09022015). Collection method: clinical testing. Allele origin: germline.
Comment: This sequence change replaces isoleucine with valine at codon 279 of the ATP7B protein (p.Ile279Val). The isoleucine residue is moderately conserved and there is a small physicochemical difference between isoleucine and valine. This variant is not present in population databases (ExAC no frequency). This variant has not been reported in the literature in individuals affected with ATP7B-related conditions. Algorithms developed to predict the effect of missense changes on protein structure and function (SIFT, PolyPhen-2, Align-GVGD) all suggest that this variant is likely to be tolerated. In summary, the available evidence is currently insufficient to determine the role of this variant in disease. Therefore, it has been classified as a Variant of Uncertain Significance.

NM_000053.4(ATP7B):c.835A>G (p.Ile279Val)

Gene: ATP7B (ATPase copper transporting beta; minus strand). Cytogenetic location: 13q14.3.
Variant type: single nucleotide variant.
Coding change: c.835A>G on transcript NM_000053.4 (MANE Select); coding-DNA position 835, A replaced by G.
Protein change: p.Ile279Val; replaces isoleucine 279 with valine.
Molecular consequence: missense variant. On other transcripts: intron variant (1).
Genome position (GRCh38, 1-based): chr13:51,974,385, T>C on the plus strand (A>G on the coding strand, the complement: ATP7B is on the minus strand). VCF-style: chr13-51974385-T-C. GRCh37 (hg19) VCF-style: chr13-52548521-T-C.
Other names: c.835A>G, p.Ile279Val (NM_001005918.3, NM_001330578.2, NM_001330579.2); c.802+33A>G (NM_001243182.2); short protein forms I279V.
Identifiers: ClinVar variation 847832 (VCV000847832.32), dbSNP rs1952002052, ClinGen allele CA388041043.